The following is an entry in ClinVar:

ClinVar aggregate classification (germline): Uncertain significance (1 of 4 stars; one submission).

Conditions:
Hereditary cancer-predisposing syndrome. Also called: Neoplastic Syndromes, Hereditary; Tumor predisposition; Hereditary Cancer Syndrome; Hereditary neoplastic syndrome. Identifiers: Orphanet 140162, MedGen C0027672, MeSH D009386, MONDO:0015356.

Submission:

Ambry Genetics
Classification: Uncertain significance for Hereditary cancer-predisposing syndrome. Last evaluated: 2022-02-07. Review status: criteria provided, single submitter. Criteria: Ambry Variant Classification Scheme 2023. Collection method: clinical testing. Allele origin: germline.
Comment: The p.R570G variant (also known as c.1708A>G), located in coding exon 14 of the MRE11A gene, results from an A to G substitution at nucleotide position 1708. The arginine at codon 570 is replaced by glycine, an amino acid with dissimilar properties. This amino acid position is conserved. In addition, the in silico prediction for this alteration is inconclusive. Since supporting evidence is limited at this time, the clinical significance of this alteration remains unclear.

NM_005591.4(MRE11):c.1708A>G (p.Arg570Gly)

Gene: MRE11 (MRE11 double strand break repair nuclease; minus strand). Cytogenetic location: 11q21.
Variant type: single nucleotide variant.
Coding change: c.1708A>G on transcript NM_005591.4 (MANE Select); coding-DNA position 1708, A replaced by G.
Protein change: p.Arg570Gly; replaces arginine 570 with glycine.
Molecular consequence: missense variant.
Genome position (GRCh38, 1-based): chr11:94,447,294, T>C on the plus strand (A>G on the coding strand, the complement: MRE11 is on the minus strand). VCF-style: chr11-94447294-T-C. GRCh37 (hg19) VCF-style: chr11-94180460-T-C.
Other names: c.1708A>G, p.Arg570Gly (NM_001330347.2, NM_005590.4); short protein forms R570G.
Identifiers: ClinVar variation 1799933 (VCV001799933.2), dbSNP rs2496294669, ClinGen allele CA382368283.